The following is an entry in ClinVar:

ClinVar aggregate classification (germline): Uncertain significance (1 of 4 stars; one submission).

Submission:

GeneDx
Classification: Uncertain significance. Last evaluated: 2024-01-12. Review status: criteria provided, single submitter. Criteria: GeneDx Variant Classification Process June 2021. Collection method: clinical testing. Allele origin: germline. Affected: yes.
Comment: Not observed at significant frequency in large population cohorts (gnomAD); In silico analysis supports that this missense variant has a deleterious effect on protein structure/function; Has not been previously published as pathogenic or benign to our knowledge; This variant is associated with the following publications: (PMID: 25486365, 2121369)

NM_001042492.3(NF1):c.3092T>G (p.Phe1031Cys)

Gene: NF1 (neurofibromin 1; plus strand). Cytogenetic location: 17q11.2.
Variant type: single nucleotide variant.
Coding change: c.3092T>G on transcript NM_001042492.3 (MANE Select); coding-DNA position 3092, T replaced by G.
Protein change: p.Phe1031Cys; replaces phenylalanine 1031 with cysteine.
Molecular consequence: missense variant.
Genome position (GRCh38, 1-based): chr17:31,230,361, T>G. VCF-style: chr17-31230361-T-G. GRCh37 (hg19) VCF-style: chr17-29557379-T-G.
Other names: c.3092T>G, p.Phe1031Cys (NM_000267.4); short protein forms F1031C.
Identifiers: ClinVar variation 3367904 (VCV003367904.1).